The following is an entry in ClinVar:

NM_012330.4(KAT6B):c.1011A>T (p.Arg337=)

Gene: KAT6B (lysine acetyltransferase 6B; plus strand). Cytogenetic location: 10q22.2.
Variant type: single nucleotide variant.
Coding change: c.1011A>T on transcript NM_012330.4 (MANE Select); coding-DNA position 1011, A replaced by T.
Protein change: p.Arg337=; no amino-acid change (arginine 337 retained).
Molecular consequence: synonymous variant. On other transcripts: intron variant (5).
Genome position (GRCh38, 1-based): chr10:74,972,589, A>T. VCF-style: chr10-74972589-A-T. GRCh37 (hg19) VCF-style: chr10-76732347-A-T.
Other names: c.1011A>T, p.Arg337= (NM_001256468.2, NM_001256469.2, NM_001370132.1 and 7 more transcripts); c.846+2814A>T (NM_001370133.1); c.193-6635A>T (NM_001370134.1); c.928+2488A>T (NM_001370143.1, NM_001370144.1); c.192+12511A>T (NM_001370135.1).
Identifiers: ClinVar variation 512421 (VCV000512421.7), dbSNP rs927389645, ClinGen allele CA209702063.
Genomic context (GRCh38, chr10:74,972,589, plus strand): 5'-CAGACCAAAGAAAAAGGGAAGAAAACTACTTCATGAGAAAGCTGCACAAATAAAACGACG[A>T]TATGCAAAACCCATTGGACGACCGAAAAATAAATTAAAGCAACGATTGTTGTAGGTTGAG-3'
Protein context (NP_036462.2, residues 327-347): LHEKAAQIKR[Arg337=]YAKPIGRPKN

ClinVar aggregate classification (germline): Likely benign. Review status: criteria provided, multiple submitters, no conflicts (2 of 4 stars). 3 submissions from 3 submitters: Likely benign (3). Last evaluated 2025-07-24.

Conditions:
Genitopatellar syndrome (GTPTS). Also called: Genitopatellar syndrome (GPS); ABSENT PATELLAE, SCROTAL HYPOPLASIA, RENAL ANOMALIES, FACIAL DYSMORPHISM, AND MENTAL RETARDATION. Identifiers: Orphanet 85201, MedGen C1853566, MONDO:0011640, OMIM 606170.

Allele frequency attached by ClinVar (database versions not stated): gnomAD 0.00001; gnomAD exomes 0.00001 and 0.00002; TOPMed 0.00002.
gnomAD v4.1: 8 of 1,613,336 alleles (0.0005%); highest among the groups gnomAD compares: Admixed American, 0.012%; no homozygotes.

Submissions (3):

Labcorp Genetics (formerly Invitae), Labcorp
Classification: Likely benign for Genitopatellar syndrome. Last evaluated: 2025-07-24. Review status: criteria provided, single submitter. Criteria: Invitae Variant Classification Sherloc (09022015). Collection method: clinical testing. Allele origin: germline.

Women's Health and Genetics/Laboratory Corporation of America, LabCorp
Classification: Likely benign. Last evaluated: 2025-02-25. Review status: criteria provided, single submitter. Criteria: LabCorp Variant Classification Summary - May 2015. Collection method: clinical testing. Allele origin: germline.

GeneDx
Classification: Likely benign. Last evaluated: 2017-10-02. Review status: criteria provided, single submitter. Criteria: GeneDx Variant Classification (06012015). Collection method: clinical testing. Allele origin: germline. Affected: yes.
Comment: This variant is considered likely benign or benign based on one or more of the following criteria: it is a conservative change, it occurs at a poorly conserved position in the protein, it is predicted to be benign by multiple in silico algorithms, and/or has population frequency not consistent with disease.